The following is an entry in ClinVar:

NM_021628.3(ALOXE3):c.715C>T (p.Arg239Cys)

Gene: ALOXE3 (arachidonate epidermal lipoxygenase 3; minus strand). Cytogenetic location: 17p13.1.
Variant type: single nucleotide variant.
Coding change: c.715C>T on transcript NM_021628.3 (MANE Select); coding-DNA position 715, C replaced by T.
Protein change: p.Arg239Cys; replaces arginine 239 with cysteine.
Molecular consequence: missense variant.
Genome position (GRCh38, 1-based): chr17:8,112,162, G>A on the plus strand (C>T on the coding strand, the complement: ALOXE3 is on the minus strand). VCF-style: chr17-8112162-G-A. GRCh37 (hg19) VCF-style: chr17-8015480-G-A.
Other names: c.1111C>T, p.Arg371Cys (NM_001165960.1); c.712C>T, p.Arg238Cys (NM_001369446.1); short protein forms R238C, R371C, R239C.
Identifiers: ClinVar variation 1029817 (VCV001029817.2), dbSNP rs1046226453, ClinGen allele CA287526903.

ClinVar aggregate classification (germline): Uncertain significance. Review status: criteria provided, multiple submitters, no conflicts (2 of 4 stars). 2 submissions from 2 submitters: Uncertain significance (2). Last evaluated 2025-08-31.

Conditions:
Inborn genetic diseases. Identifiers: MedGen C0950123, MeSH D030342.
Autosomal recessive congenital ichthyosis 3 (ARCI3). Also called: ICHTHYOSIS, LAMELLAR, 5. Identifiers: MedGen C3539888, MONDO:0011680, OMIM 606545.

Allele frequency attached by ClinVar (database versions not stated): gnomAD exomes below 0.00001; TOPMed below 0.00001; gnomAD 0.00001.
gnomAD v4.1: 4 of 1,614,000 alleles (0.00025%); highest among the groups gnomAD compares: African/African-American, 0.0013%; no homozygotes.

Submissions (2):

Ambry Genetics
Classification: Uncertain significance for Inborn genetic diseases. Last evaluated: 2025-08-31. Review status: criteria provided, single submitter. Criteria: Ambry Variant Classification Scheme 2023. Collection method: clinical testing. Allele origin: germline.

Baylor Genetics
Classification: Uncertain significance for Autosomal recessive congenital ichthyosis 3. Last evaluated: 2020-05-05. Review status: criteria provided, single submitter. Criteria: ACMG Guidelines, 2015. Collection method: clinical testing. Allele origin: unknown. Affected: yes.
Comment: This variant was determined to be of uncertain significance according to ACMG Guidelines, 2015 [PMID:25741868].